The following is an entry in ClinVar:

NM_002230.4(JUP):c.1486C>A (p.Pro496Thr)

Gene: JUP (junction plakoglobin; minus strand). Cytogenetic location: 17q21.2.
Variant type: single nucleotide variant.
Coding change: c.1486C>A on transcript NM_002230.4 (MANE Select); coding-DNA position 1486, C replaced by A.
Protein change: p.Pro496Thr; replaces proline 496 with threonine.
Molecular consequence: missense variant.
Genome position (GRCh38, 1-based): chr17:41,762,994, G>T on the plus strand (C>A on the coding strand, the complement: JUP is on the minus strand). VCF-style: chr17-41762994-G-T. GRCh37 (hg19) VCF-style: chr17-39919246-G-T.
Other names: c.1486C>A, p.Pro496Thr (NM_001352773.2, NM_001352774.2, NM_001352775.2 and 3 more transcripts); short protein forms P496T.
Identifiers: ClinVar variation 567321 (VCV000567321.14), dbSNP rs1220042864, ClinGen allele CA399496108.
Genomic context (GRCh38, chr17:41,762,994, plus strand): 5'-CACCTAAGCCTGCTGCAGGGAGCTCCTTCCCCTCGCCTAACAGCAGTACCTTGACCAGTG[G>T]CCACTGGTTGGGCTGGTTGAGCAGCTTCACGATGGCTGGGATGCCATAGTTGAGACGCAC-3'
Protein context (NP_002221.1, residues 486-506): VKLLNQPNQW[Pro496Thr]LVKATIGLIR

ClinVar aggregate classification (germline): Uncertain significance. Review status: criteria provided, multiple submitters, no conflicts (2 of 4 stars). 3 submissions from 3 submitters: Uncertain significance (3). Last evaluated 2024-07-16.

Conditions:
Arrhythmogenic right ventricular dysplasia 12. Also called: ARRHYTHMOGENIC RIGHT VENTRICULAR DYSPLASIA, FAMILIAL, 12. Identifiers: MedGen C1969081, MONDO:0012684, OMIM 611528.
Naxos disease (NXD). Also called: KERATOSIS PALMOPLANTARIS WITH ARRHYTHMOGENIC CARDIOMYOPATHY; MAL DE NAXOS; PALMOPLANTAR KERATODERMA WITH ARRHYTHMOGENIC RIGHT VENTRICULAR CARDIOMYOPATHY AND WOOLLY HAIR; CARDIOMYOPATHY, ARRHYTHMOGENIC RIGHT VENTRICULAR, WITH SKIN, HAIR, AND NAIL ABNORMALITIES; WOOLLY HAIR, PALMOPLANTAR KERATODERMA, AND CARDIAC ABNORMALITIES. Identifiers: Orphanet 34217, MedGen C1832600, MONDO:0011017, OMIM 601214.
Cardiovascular phenotype. Identifiers: MedGen CN230736.

Allele frequency attached by ClinVar (database versions not stated): gnomAD 0.00003 and 0.00004; TOPMed 0.00003.
gnomAD v4.1: 13 of 1,613,776 alleles (0.00081%); highest among the groups gnomAD compares: African/African-American, 0.016%; no homozygotes.

Submissions (3):

Labcorp Genetics (formerly Invitae), Labcorp
Classification: Uncertain significance for Arrhythmogenic right ventricular dysplasia 12; Naxos disease. Last evaluated: 2024-07-16. Review status: criteria provided, single submitter. Criteria: Invitae Variant Classification Sherloc (09022015). Collection method: clinical testing. Allele origin: germline.
Comment: This sequence change replaces proline, which is neutral and non-polar, with threonine, which is neutral and polar, at codon 496 of the JUP protein (p.Pro496Thr). This variant is not present in population databases (gnomAD no frequency). This variant has not been reported in the literature in individuals affected with JUP-related conditions. ClinVar contains an entry for this variant (Variation ID: 567321). An algorithm developed to predict the effect of missense changes on protein structure and function (PolyPhen-2) suggests that this variant is likely to be disruptive. In summary, the available evidence is currently insufficient to determine the role of this variant in disease. Therefore, it has been classified as a Variant of Uncertain Significance.

Ambry Genetics
Classification: Uncertain significance for Cardiovascular phenotype. Last evaluated: 2022-09-09. Review status: criteria provided, single submitter. Criteria: Ambry Variant Classification Scheme 2023. Collection method: clinical testing. Allele origin: germline.
Comment: The p.P496T variant (also known as c.1486C>A), located in coding exon 7 of the JUP gene, results from a C to A substitution at nucleotide position 1486. The proline at codon 496 is replaced by threonine, an amino acid with highly similar properties. This amino acid position is highly conserved in available vertebrate species. In addition, this alteration is predicted to be deleterious by in silico analysis. Since supporting evidence is limited at this time, the clinical significance of this alteration remains unclear.

GeneDx
Classification: Uncertain significance. Last evaluated: 2019-05-02. Review status: criteria provided, single submitter. Criteria: GeneDx Variant Classification Process June 2021. Collection method: clinical testing. Allele origin: germline. Affected: yes.
Comment: Has not been previously published as pathogenic or benign to our knowledge; Not observed in large population cohorts (Lek et al., 2016); In silico analysis, which includes protein predictors and evolutionary conservation, supports a deleterious effect; Reported in ClinVar as a variant of uncertain significance by another clinical laboratory (ClinVar Variant ID# 567321; Landrum et al., 2016)